The following is an entry in ClinVar:

NM_001868.4(CPA1):c.954_955del (p.Tyr318_Lys319delinsTer)

Gene: CPA1 (carboxypeptidase A1; plus strand). Cytogenetic location: 7q32.2.
Variant type: Deletion.
Coding change: c.954_955del on transcript NM_001868.4 (MANE Select); coding-DNA positions 954 to 955, 2 bases deleted (CA; older notation c.954_955delCA).
Protein change: p.Tyr318_Lys319delinsTer.
Molecular consequence: nonsense.
Genome position (GRCh38, 1-based): chr7:130,385,312-130,385,313, CA deleted; deleting any 2 consecutive bases within chr7:130,385,311-130,385,313 gives the same sequence; the c. name uses the placement nearest the transcript's 3' end. VCF-style (leftmost placement, unchanged base first): chr7-130385310-TAC-T. GRCh37 (hg19) VCF-style: chr7-130025151-TAC-T.
Identifiers: ClinVar variation 1767317 (VCV001767317.4), dbSNP rs782273120, ClinGen allele CA4484996.
Genomic context (GRCh38, chr7:130,385,310, plus strand): 5'-AACATCAAGGCCTTCATCTCCATCCACAGCTACTCCCAGCTCCTCATGTATCCCTATGGC[TAC>T]AAAACAGAACCAGTCCCTGACCAGGATGAGCTGGTAGGCACTGACCTCGGCTTGCCCCCT-3'

ClinVar aggregate classification (germline): Conflicting classifications of pathogenicity. Review status: criteria provided, conflicting classifications (1 of 4 stars). 2 submissions from 2 submitters: Uncertain significance (1); Likely benign (1). Last evaluated 2024-08-31.

Conditions:
Hereditary pancreatitis (PCTT). Also called: PRSS1-Related Hereditary Pancreatitis; Hereditary chronic pancreatitis. Identifiers: Orphanet 676, MedGen C0238339, MONDO:0008185, OMIM 167800.

Submissions (2):

Labcorp Genetics (formerly Invitae), Labcorp
Classification: Uncertain significance. Last evaluated: 2024-08-31. Review status: criteria provided, single submitter. Criteria: Invitae Variant Classification Sherloc (09022015). Collection method: clinical testing. Allele origin: germline.
Comment: This sequence change creates a premature translational stop signal (p.Tyr318*) in the CPA1 gene. It is expected to result in an absent or disrupted protein product. However, the current clinical and genetic evidence is not sufficient to establish whether loss-of-function variants in CPA1 cause disease. This variant is present in population databases (rs782273120, gnomAD 0.006%). This premature translational stop signal has been observed in individual(s) with pancreatic cancer (PMID: 29669919, 30862690). ClinVar contains an entry for this variant (Variation ID: 1767317). Algorithms developed to predict the effect of variants on gene product structure and function are not available or were not evaluated for this variant. Experimental studies have shown that this premature translational stop signal affects CPA1 function (PMID: 29669919, 30862690). Algorithms developed to predict the effect of sequence changes on RNA splicing suggest that this variant may disrupt the consensus splice site. In summary, the available evidence is currently insufficient to determine the role of this variant in disease. Therefore, it has been classified as a Variant of Uncertain Significance.

Ambry Genetics
Classification: Likely benign for Hereditary pancreatitis. Last evaluated: 2020-09-25. Review status: criteria provided, single submitter. Criteria: Ambry Variant Classification Scheme 2023. Collection method: clinical testing. Allele origin: germline.

Literature cited by the submitters: PubMed 29669919 (cited by Labcorp Genetics (formerly Invitae), Labcorp); PubMed 30862690 (cited by Labcorp Genetics (formerly Invitae), Labcorp).